The following is an entry in ClinVar:

NM_004006.3(DMD):c.9802del (p.Gln3268fs)

Gene: DMD (dystrophin; minus strand). Cytogenetic location: Xp21.2.
Variant type: Deletion.
Coding change: c.9802del on transcript NM_004006.3 (MANE Select); coding-DNA position 9802, one base deleted (C; older notation c.9802delC).
Protein change: p.Gln3268fs; shifts the reading frame from glutamine 3268.
Molecular consequence: frameshift variant.
Genome position (GRCh38, 1-based): chrX:31,203,966, G deleted on the plus strand (C on the coding strand, the reverse complement: DMD is on the minus strand); the first of 2 consecutive G bases (chrX:31,203,966-31,203,967); deleting either gives the same sequence. VCF-style (leftmost placement, unchanged base first): chrX-31203965-TG-T. GRCh37 (hg19) VCF-style: chrX-31222082-TG-T.
Other names: c.9778del, p.Gln3260fs (NM_000109.4); c.9790del, p.Gln3264fs (NM_004009.3); c.9433del, p.Gln3145fs (NM_004010.3); c.5779del, p.Gln1927fs (NM_004011.4); c.5770del, p.Gln1924fs (NM_004012.4); c.2422del, p.Gln808fs (NM_004013.3, NM_004020.4, NM_004021.3 and 2 more transcripts); c.1615del, p.Gln539fs (NM_004014.3); c.598del, p.Gln200fs (NM_004015.3, NM_004016.3, NM_004017.3 and 2 more transcripts); short protein forms Q1924fs, Q200fs, Q3260fs, Q3268fs, Q3264fs, Q539fs, Q808fs, Q1927fs.
Identifiers: ClinVar variation 1453024 (VCV001453024.6), dbSNP rs2148540548, ClinGen allele CA2573158724.

ClinVar aggregate classification (germline): Pathogenic (1 of 4 stars; one submission).

Conditions:
Duchenne muscular dystrophy (DMD). Also called: Duchenne Muscular Dystrophy (DMD); MUSCULAR DYSTROPHY, PSEUDOHYPERTROPHIC PROGRESSIVE, DUCHENNE TYPE. Identifiers: Orphanet 98896, MedGen C0013264, MONDO:0010679, OMIM 310200.

Submission:

Labcorp Genetics (formerly Invitae), Labcorp
Classification: Pathogenic for Duchenne muscular dystrophy. Last evaluated: 2024-01-19. Review status: criteria provided, single submitter. Criteria: Invitae Variant Classification Sherloc (09022015). Collection method: clinical testing. Allele origin: germline.
Comment: This sequence change creates a premature translational stop signal (p.Gln3268Asnfs*15) in the DMD gene. It is expected to result in an absent or disrupted protein product. Loss-of-function variants in DMD are known to be pathogenic (PMID: 16770791, 25007885). This variant is not present in population databases (gnomAD no frequency). This variant has not been reported in the literature in individuals affected with DMD-related conditions. ClinVar contains an entry for this variant (Variation ID: 1453024). For these reasons, this variant has been classified as Pathogenic.

Literature cited by the submitters: PubMed 16770791; PubMed 25007885.